The following is an entry in ClinVar:

NM_031935.3(HMCN1):c.452G>A (p.Arg151Gln)

Gene: HMCN1 (hemicentin 1; plus strand). Cytogenetic location: 1q31.1.
Variant type: single nucleotide variant.
Coding change: c.452G>A on transcript NM_031935.3 (MANE Select); coding-DNA position 452, G replaced by A.
Protein change: p.Arg151Gln; replaces arginine 151 with glutamine.
Molecular consequence: missense variant.
Genome position (GRCh38, 1-based): chr1:185,864,582, G>A. VCF-style: chr1-185864582-G-A. GRCh37 (hg19) VCF-style: chr1-185833714-G-A.
Other names: c.452G>A (NM_031935.2); short protein forms R151Q.
Identifiers: ClinVar variation 1924986 (VCV001924986.8), dbSNP rs1214034266, ClinGen allele CA343866370.

ClinVar aggregate classification (germline): Uncertain significance. Review status: criteria provided, multiple submitters, no conflicts (2 of 4 stars). 3 submissions from 3 submitters: Uncertain significance (3). Last evaluated 2025-12-20.

Conditions:
Age related macular degeneration 1 (ARMD1). Also called: MACULOPATHY, AGE-RELATED, 1. Identifiers: MedGen C1864205, MONDO:0011285, OMIM 603075.

Allele frequency attached by ClinVar (database versions not stated): gnomAD exomes 0.00001; TOPMed 0.00001; gnomAD 0.00002.
gnomAD v4.1: 13 of 1,613,764 alleles (0.00081%); highest among the groups gnomAD compares: African/African-American, 0.004%; no homozygotes.

Submissions (3):

Labcorp Genetics (formerly Invitae), Labcorp
Classification: Uncertain significance. Last evaluated: 2025-12-20. Review status: criteria provided, single submitter. Criteria: Invitae Variant Classification Sherloc (09022015). Collection method: clinical testing. Allele origin: germline.
Comment: This sequence change replaces arginine, which is basic and polar, with glutamine, which is neutral and polar, at codon 151 of the HMCN1 protein (p.Arg151Gln). This variant is present in population databases (no rsID available, gnomAD 0.0009%). This variant has not been reported in the literature in individuals affected with HMCN1-related conditions. ClinVar contains an entry for this variant (Variation ID: 1924986). An algorithm developed to predict the effect of missense changes on protein structure and function outputs the following: PolyPhen-2: "Benign". The glutamine amino acid residue is found in multiple mammalian species, which suggests that this missense change does not adversely affect protein function. In summary, the available evidence is currently insufficient to determine the role of this variant in disease. Therefore, it has been classified as a Variant of Uncertain Significance.

Genome-Nilou Lab
Classification: Uncertain significance for Age related macular degeneration 1. Last evaluated: 2023-04-11. Review status: criteria provided, single submitter. Criteria: ACMG Guidelines, 2015. Collection method: clinical testing. Allele origin: germline. Affected: no.

Ambry Genetics
Classification: Uncertain significance. Last evaluated: 2023-03-01. Review status: criteria provided, single submitter. Criteria: Ambry Variant Classification Scheme 2023. Collection method: clinical testing. Allele origin: germline.